The following is an entry in ClinVar:

ClinVar aggregate classification (germline): Uncertain significance (1 of 4 stars; one submission).

Conditions:
Gastrointestinal stromal tumor. Also called: Gastrointestinal stromal tumor, somatic; Gastrointestinal stroma tumor. Identifiers: Orphanet 44890, MedGen C0238198, MeSH D046152, MONDO:0011719, OMIM 606764, HP:0100723.

gnomAD v4.1: 1 of 1,613,684 alleles (0.000062%); no homozygotes.

Submission:

Labcorp Genetics (formerly Invitae), Labcorp
Classification: Uncertain significance for Gastrointestinal stromal tumor. Last evaluated: 2024-09-04. Review status: criteria provided, single submitter. Criteria: Invitae Variant Classification Sherloc (09022015). Collection method: clinical testing. Allele origin: germline.
Comment: This sequence change replaces glutamic acid, which is acidic and polar, with lysine, which is basic and polar, at codon 252 of the PDGFRA protein (p.Glu252Lys). This variant is present in population databases (rs772605262, gnomAD 0.0009%). This variant has not been reported in the literature in individuals affected with PDGFRA-related conditions. An algorithm developed to predict the effect of missense changes on protein structure and function outputs the following: PolyPhen-2: "Benign". The lysine amino acid residue is found in multiple mammalian species, which suggests that this missense change does not adversely affect protein function. In summary, the available evidence is currently insufficient to determine the role of this variant in disease. Therefore, it has been classified as a Variant of Uncertain Significance.

NM_006206.6(PDGFRA):c.754G>A (p.Glu252Lys)

Gene: PDGFRA (platelet derived growth factor receptor alpha; plus strand). Cytogenetic location: 4q12.
Variant type: single nucleotide variant.
Coding change: c.754G>A on transcript NM_006206.6 (MANE Select); coding-DNA position 754, G replaced by A.
Protein change: p.Glu252Lys; replaces glutamic acid 252 with lysine.
Molecular consequence: missense variant.
Genome position (GRCh38, 1-based): chr4:54,265,044, G>A. VCF-style: chr4-54265044-G-A. GRCh37 (hg19) VCF-style: chr4-55131211-G-A.
Other names: c.754G>A, p.Glu252Lys (NM_001347827.2, NM_001347829.2); c.829G>A, p.Glu277Lys (NM_001347828.2); c.793G>A, p.Glu265Lys (NM_001347830.2); short protein forms E252K, E277K, E265K.
Identifiers: ClinVar variation 3668807 (VCV003668807.2).